The following is an entry in ClinVar:

ClinVar aggregate classification (germline): Pathogenic. Review status: criteria provided, multiple submitters, no conflicts (2 of 4 stars). 2 submissions from 2 submitters: Pathogenic (2). Last evaluated 2019-10-29.

Conditions:
Cardiovascular phenotype. Identifiers: MedGen CN230736.
Hereditary hemorrhagic telangiectasia (HHT). Also called: Osler hemorrhagic telangiectasia syndrome; ORW DISEASE; Osler Weber Rendu syndrome; OSLER-RENDU-WEBER DISEASE. Identifiers: Orphanet 774, MedGen C0039445, MONDO:0019180. Disease mechanism: loss of function.

Submissions (2):

Labcorp Genetics (formerly Invitae), Labcorp
Classification: Pathogenic for Hereditary hemorrhagic telangiectasia. Last evaluated: 2019-10-29. Review status: criteria provided, single submitter. Criteria: Invitae Variant Classification Sherloc (09022015). Collection method: clinical testing. Allele origin: germline.
Comment: For these reasons, this variant has been classified as Pathogenic. Loss-of-function variants in ENG are known to be pathogenic (PMID: 15879500, 20656886, 22385575). This variant has not been reported in the literature in individuals with ENG-related conditions. This variant is not present in population databases (ExAC no frequency). This sequence change creates a premature translational stop signal (p.Pro225Argfs*10) in the ENG gene. It is expected to result in an absent or disrupted protein product.

Ambry Genetics
Classification: Pathogenic for Cardiovascular phenotype. Last evaluated: 2019-09-05. Review status: criteria provided, single submitter. Criteria: Ambry Variant Classification Scheme 2023. Collection method: clinical testing. Allele origin: germline.
Comment: The c.674delC pathogenic mutation, located in coding exon 5 of the ENG gene, results from a deletion of one nucleotide at nucleotide position 674, causing a translational frameshift with a predicted alternate stop codon (p.P225Rfs*10). This alteration is expected to result in loss of function by premature protein truncation or nonsense-mediated mRNA decay. As such, this alteration is interpreted as a disease-causing mutation.

Literature cited by the submitters: PubMed 15879500 (cited by Labcorp Genetics (formerly Invitae), Labcorp); PubMed 20656886 (cited by Labcorp Genetics (formerly Invitae), Labcorp); PubMed 22385575 (cited by Labcorp Genetics (formerly Invitae), Labcorp).

NM_001114753.3(ENG):c.674del (p.Pro225fs)

Gene: ENG (endoglin; minus strand). Cytogenetic location: 9q34.11.
Variant type: Deletion.
Coding change: c.674del on transcript NM_001114753.3 (MANE Select); coding-DNA position 674, one base deleted (C; older notation c.674delC).
Protein change: p.Pro225fs; shifts the reading frame from proline 225.
Molecular consequence: frameshift variant.
Genome position (GRCh38, 1-based): chr9:127,825,710, G deleted on the plus strand (C on the coding strand, the reverse complement: ENG is on the minus strand); the first of 2 consecutive G bases (chr9:127,825,710-127,825,711); deleting either gives the same sequence. VCF-style (leftmost placement, unchanged base first): chr9-127825709-CG-C. GRCh37 (hg19) VCF-style: chr9-130587988-CG-C.
Other names: c.673delC, p.Pro225Argfs (NM_000118.4, NM_001406715.1); c.128del, p.Pro43fs (NM_001278138.2); short protein forms P225fs, P43fs.
Identifiers: ClinVar variation 953588 (VCV000953588.12), dbSNP rs1830596596, ClinGen allele CA1139661214.